The following is an entry in ClinVar:

NM_014251.3(SLC25A13):c.754+1G>T

Gene: SLC25A13 (solute carrier family 25 member 13; minus strand). Cytogenetic location: 7q21.3.
Variant type: single nucleotide variant.
Coding change: c.754+1G>T on transcript NM_014251.3 (MANE Select); the canonical splice donor site of the intron after coding-DNA position 754, G replaced by T.
Molecular consequence: splice donor variant.
Genome position (GRCh38, 1-based): chr7:96,191,108, C>A on the plus strand (G>T on the coding strand, the complement: SLC25A13 is on the minus strand). VCF-style: chr7-96191108-C-A. GRCh37 (hg19) VCF-style: chr7-95820420-C-A.
Other names: c.754+1G>T (NM_001160210.2).
Identifiers: ClinVar variation 4987837 (VCV004987837.1).

ClinVar aggregate classification (germline): Likely pathogenic (1 of 4 stars; one submission).

Conditions:
SLC25A13-related disorder. Also called: SLC25A13-related condition.

gnomAD v4.1: 17 of 1,614,018 alleles (0.0011%); highest among the groups gnomAD compares: Non-Finnish European, 0.0014%; no homozygotes.

Submission:

PreventionGenetics, part of Exact Sciences
Classification: Likely pathogenic for SLC25A13-related condition. Last evaluated: 2025-03-05. Review status: criteria provided, single submitter. Criteria: ACMG Guidelines, 2015. Collection method: clinical testing. Allele origin: germline.
Comment: The SLC25A13 c.754+1G>T variant is predicted to disrupt the GT donor site and interfere with normal splicing. To our knowledge, this variant has not been reported in the literature or in a large population database (gnomAD), indicating this variant is rare. Variants that disrupt the consensus splice donor site in SLC25A13 are expected to be pathogenic. This variant is interpreted as likely pathogenic.